The following is an entry in ClinVar:

ClinVar aggregate classification (germline): Uncertain significance (1 of 4 stars; one submission).

Conditions:
Autosomal recessive limb-girdle muscular dystrophy type 2J (LGMDR10). Also called: MUSCULAR DYSTROPHY, LIMB-GIRDLE, AUTOSOMAL RECESSIVE 10; Limb-girdle muscular dystrophy, type 2J. Identifiers: Orphanet 140922, MedGen C1837342, MONDO:0012127, OMIM 608807.
Dilated cardiomyopathy 1G (CMD1G). Identifiers: Orphanet 154, MedGen C1858763, MONDO:0011400, OMIM 604145.

gnomAD v4.1: 3 of 1,613,348 alleles (0.00019%); highest among the groups gnomAD compares: Non-Finnish European, 0.00025%; no homozygotes.

Submission:

Labcorp Genetics (formerly Invitae), Labcorp
Classification: Uncertain significance for Dilated cardiomyopathy 1G; Autosomal recessive limb-girdle muscular dystrophy type 2J. Last evaluated: 2025-12-11. Review status: criteria provided, single submitter. Criteria: Invitae Variant Classification Sherloc (09022015). Collection method: clinical testing. Allele origin: germline.
Comment: This sequence change replaces valine, which is neutral and non-polar, with alanine, which is neutral and non-polar, at codon 31800 of the TTN protein (p.Val31800Ala). This variant is not present in population databases (gnomAD no frequency). This variant has not been reported in the literature in individuals affected with TTN-related conditions. Experimental studies and prediction algorithms are not available or were not evaluated, and the functional significance of this variant is currently unknown. This variant is located in the A band of TTN (PMID: 25589632). Variants in this region may be relevant for cardiac or neuromuscular disorders (PMID: 25589632, 23975875). In summary, the available evidence is currently insufficient to determine the role of this variant in disease. Therefore, it has been classified as a Variant of Uncertain Significance.

Literature cited by the submitters: PubMed 25589632; PubMed 23975875.

NM_001267550.2(TTN):c.95399T>C (p.Val31800Ala)

Genes: TTN-AS1 (TTN antisense RNA 1; plus strand), TTN (titin; minus strand). Cytogenetic location: 2q31.2.
Variant type: single nucleotide variant.
Coding change: c.95399T>C on transcript NM_001267550.2 (MANE Select); coding-DNA position 95399, T replaced by C.
Protein change: p.Val31800Ala; replaces valine 31800 with alanine.
Molecular consequence: missense variant.
Genome position (GRCh38, 1-based): chr2:178,545,837, A>G on the plus strand (T>C on the coding strand, the complement: TTN is on the minus strand). VCF-style: chr2-178545837-A-G. GRCh37 (hg19) VCF-style: chr2-179410564-A-G.
Other names: c.90476T>C, p.Val30159Ala (NM_001256850.1); c.68204T>C, p.Val22735Ala (NM_003319.4); c.87695T>C, p.Val29232Ala (NM_133378.4); c.68579T>C, p.Val22860Ala (NM_133432.3); c.68780T>C, p.Val22927Ala (NM_133437.4); short protein forms V22735A, V29232A, V30159A, V22860A, V22927A, V31800A.
Identifiers: ClinVar variation 4793796 (VCV004793796.1).
Genomic context (GRCh38, chr2:178,545,837, plus strand): 5'-TTACATTTCAACTGTCAAATTATTTAAAAGTGTTAATACTTACTGAATGAGTTTCTGGCT[A>G]CAATTGGCTCTGATTCAACAGGCACACCAGGGCCATATTTGTTTACTGCCCTCACTCGGA-3'
Protein context (NP_001254479.2, residues 31790-31810): PGVPVESEPI[Val31800Ala]ARNSFTIPSP